The following is an entry in ClinVar:

ClinVar aggregate classification (germline): Uncertain significance (1 of 4 stars; one submission).

Conditions:
Hereditary cancer-predisposing syndrome. Also called: Neoplastic Syndromes, Hereditary; Tumor predisposition; Hereditary neoplastic syndrome; Hereditary Cancer Syndrome. Identifiers: Orphanet 140162, MedGen C0027672, MeSH D009386, MONDO:0015356.

Submission:

Color Diagnostics, LLC DBA Color Health
Classification: Uncertain significance for Hereditary cancer-predisposing syndrome. Last evaluated: 2023-12-04. Review status: criteria provided, single submitter. Criteria: ACMG Guidelines, 2015. Collection method: clinical testing. Allele origin: germline.
Comment: This missense variant replaces lysine with arginine at codon 2819 of the APC protein. Computational prediction suggests that this variant may not impact protein structure and function (internally defined REVEL score threshold <= 0.5, PMID: 27666373). To our knowledge, functional studies have not been reported for this variant. This variant has not been reported in individuals affected with APC-related disorders in the literature. This variant has not been identified in the general population by the Genome Aggregation Database (gnomAD). The available evidence is insufficient to determine the role of this variant in disease conclusively. Therefore, this variant is classified as a Variant of Uncertain Significance.

NM_000038.6(APC):c.8456A>G (p.Lys2819Arg)

Gene: APC (APC regulator of Wnt signaling pathway; plus strand). Cytogenetic location: 5q22.2.
Variant type: single nucleotide variant.
Coding change: c.8456A>G on transcript NM_000038.6 (MANE Select); coding-DNA position 8456, A replaced by G.
Protein change: p.Lys2819Arg; replaces lysine 2819 with arginine.
Molecular consequence: missense variant.
Genome position (GRCh38, 1-based): chr5:112,844,050, A>G. VCF-style: chr5-112844050-A-G. GRCh37 (hg19) VCF-style: chr5-112179747-A-G.
Other names: c.8456A>G, p.Lys2819Arg (NM_001127510.3, NM_001354895.2); c.8402A>G, p.Lys2801Arg (NM_001127511.3); c.8510A>G, p.Lys2837Arg (NM_001354896.2); c.8486A>G, p.Lys2829Arg (NM_001354897.2); c.8381A>G, p.Lys2794Arg (NM_001354898.2); c.8372A>G, p.Lys2791Arg (NM_001354899.2); c.8333A>G, p.Lys2778Arg (NM_001354900.2); c.8279A>G, p.Lys2760Arg (NM_001354901.2); and 5 more; short protein forms K2801R, K2819R, K2760R, K2778R, K2659R, K2728R, K2536R, K2693R.
Identifiers: ClinVar variation 629247 (VCV000629247.5), dbSNP rs1561623439, ClinGen allele CA16039675.